The following is an entry in ClinVar:

ClinVar aggregate classification (germline): Uncertain significance. Review status: criteria provided, multiple submitters, no conflicts (2 of 4 stars). 3 submissions from 3 submitters: Uncertain significance (3). Last evaluated 2024-03-06.

Conditions:
Cardiomyopathy (CMYO). Also called: Cardiomyopathies. Identifiers: Orphanet 167848, MedGen C0878544, MONDO:0004994, HP:0001638. Inheritance: Various modes of inheritance.
Cardiovascular phenotype. Identifiers: MedGen CN230736.
Hypertrophic cardiomyopathy. Also called: HYPERTROPHIC MYOCARDIOPATHY. Identifiers: Orphanet 217569, MedGen C0007194, MeSH D002312, MONDO:0005045, HP:0001639.

Submissions (3):

Color Diagnostics, LLC DBA Color Health
Classification: Uncertain significance for Cardiomyopathy. Last evaluated: 2024-03-06. Review status: criteria provided, single submitter. Criteria: ACMG Guidelines, 2015. Collection method: clinical testing. Allele origin: germline.
Comment: This missense variant replaces methionine with lysine at codon 69 of the MYL3 protein. Computational prediction is inconclusive regarding the impact of this variant on protein structure and function (internally defined REVEL score threshold 0.5 < inconclusive < 0.7, PMID: 27666373). To our knowledge, functional studies have not been reported for this variant. This variant has not been reported in individuals affected with cardiovascular disorders in the literature. This variant has not been identified in the general population by the Genome Aggregation Database (gnomAD). The available evidence is insufficient to determine the role of this variant in disease conclusively. Therefore, this variant is classified as a Variant of Uncertain Significance.

Ambry Genetics
Classification: Uncertain significance for Cardiovascular phenotype. Last evaluated: 2022-02-14. Review status: criteria provided, single submitter. Criteria: Ambry Variant Classification Scheme 2023. Collection method: clinical testing. Allele origin: germline.
Comment: The p.M69K variant (also known as c.206T>A), located in coding exon 3 of the MYL3 gene, results from a T to A substitution at nucleotide position 206. The methionine at codon 69 is replaced by lysine, an amino acid with similar properties. This amino acid position is conserved. In addition, the in silico prediction for this alteration is inconclusive. Since supporting evidence is limited at this time, the clinical significance of this alteration remains unclear.

Labcorp Genetics (formerly Invitae), Labcorp
Classification: Uncertain significance for Hypertrophic cardiomyopathy. Last evaluated: 2021-08-31. Review status: criteria provided, single submitter. Criteria: Invitae Variant Classification Sherloc (09022015). Collection method: clinical testing. Allele origin: germline.
Comment: This sequence change replaces methionine with lysine at codon 69 of the MYL3 protein (p.Met69Lys). The methionine residue is moderately conserved and there is a moderate physicochemical difference between methionine and lysine. This variant is not present in population databases (ExAC no frequency). This variant has not been reported in the literature in individuals affected with MYL3-related conditions. Algorithms developed to predict the effect of missense changes on protein structure and function (SIFT, PolyPhen-2, Align-GVGD) all suggest that this variant is likely to be tolerated. In summary, the available evidence is currently insufficient to determine the role of this variant in disease. Therefore, it has been classified as a Variant of Uncertain Significance.

NM_000258.3(MYL3):c.206T>A (p.Met69Lys)

Gene: MYL3 (myosin light chain 3; minus strand). Cytogenetic location: 3p21.31.
Variant type: single nucleotide variant.
Coding change: c.206T>A on transcript NM_000258.3 (MANE Select); coding-DNA position 206, T replaced by A.
Protein change: p.Met69Lys; replaces methionine 69 with lysine.
Molecular consequence: missense variant.
Genome position (GRCh38, 1-based): chr3:46,860,777, A>T on the plus strand (T>A on the coding strand, the complement: MYL3 is on the minus strand). VCF-style: chr3-46860777-A-T. GRCh37 (hg19) VCF-style: chr3-46902267-A-T.
Other names: short protein forms M69K.
Identifiers: ClinVar variation 650368 (VCV000650368.8), dbSNP rs1575498236, ClinGen allele CA352498446.